The following is an entry in ClinVar:

ClinVar aggregate classification (germline): Uncertain significance (1 of 4 stars; one submission).

Conditions:
Charcot-Marie-Tooth disease axonal type 2O. Also called: CHARCOT-MARIE-TOOTH NEUROPATHY, AXONAL, TYPE 2O; CHARCOT-MARIE-TOOTH DISEASE, AXONAL, AUTOSOMAL DOMINANT, TYPE 2O; Charcot-Marie-Tooth Neuropathy Type 2O; Charcot-Marie-Tooth disease, axonal, type 20. Identifiers: Orphanet 284232, MedGen C3280220, MONDO:0013644, OMIM 614228.

Submission:

Labcorp Genetics (formerly Invitae), Labcorp
Classification: Uncertain significance for Charcot-Marie-Tooth disease axonal type 2O. Last evaluated: 2023-11-07. Review status: criteria provided, single submitter. Criteria: Invitae Variant Classification Sherloc (09022015). Collection method: clinical testing. Allele origin: germline.
Comment: This sequence change replaces glycine, which is neutral and non-polar, with serine, which is neutral and polar, at codon 4562 of the DYNC1H1 protein (p.Gly4562Ser). This variant also falls at the last nucleotide of exon 76, which is part of the consensus splice site for this exon. This variant is not present in population databases (gnomAD no frequency). This variant has not been reported in the literature in individuals affected with DYNC1H1-related conditions. An algorithm developed to predict the effect of missense changes on protein structure and function (PolyPhen-2) suggests that this variant is likely to be disruptive. Variants that disrupt the consensus splice site are a relatively common cause of aberrant splicing (PMID: 17576681, 9536098). In summary, the available evidence is currently insufficient to determine the role of this variant in disease. Therefore, it has been classified as a Variant of Uncertain Significance.

Literature cited by the submitters: PubMed 17576681; PubMed 9536098.

NM_001376.5(DYNC1H1):c.13684G>A (p.Gly4562Ser)

Gene: DYNC1H1 (dynein cytoplasmic 1 heavy chain 1; plus strand). Cytogenetic location: 14q32.31.
Variant type: single nucleotide variant.
Coding change: c.13684G>A on transcript NM_001376.5 (MANE Select); coding-DNA position 13684, G replaced by A.
Protein change: p.Gly4562Ser; replaces glycine 4562 with serine.
Molecular consequence: missense variant.
Genome position (GRCh38, 1-based): chr14:102,049,882, G>A. VCF-style: chr14-102049882-G-A. GRCh37 (hg19) VCF-style: chr14-102516219-G-A.
Other names: short protein forms G4562S.
Identifiers: ClinVar variation 2772765 (VCV002772765.3), dbSNP rs2503890141, ClinGen allele CA391051025.
Genomic context (GRCh38, chr14:102,049,882, plus strand): 5'-GAAGTCAACGTCACCACCTCACAGGGCGCCACCCTTGACGCTTGCAGCTTCGGAGTCACG[G>A]GTGAGTGGAGTCTCACAGAAAATACTGGCTCTTTGCAGGTGACCTCGGTGGCCTGAGACC-3'
Protein context (NP_001367.2, residues 4552-4572): TLDACSFGVT[Gly4562Ser]LKLQGATCNN